The following is an entry in ClinVar:

ClinVar aggregate classification (germline): Conflicting classifications of pathogenicity. Review status: criteria provided, conflicting classifications (1 of 4 stars). 8 submissions from 8 submitters: Uncertain significance (4); Benign (1); Likely benign (3). Last evaluated 2026-01-20.

Conditions:
CPLANE1-related disorder. Also called: CPLANE1-related condition.
Inborn genetic diseases. Identifiers: MedGen C0950123, MeSH D030342.
Orofaciodigital syndrome type 6 (OFD6). Also called: OROFACIODIGITAL SYNDROME VI; OFDS VI; POLYDACTYLY, CLEFT LIP/PALATE OR LINGUAL LUMP, AND PSYCHOMOTOR RETARDATION; VARADI SYNDROME; VARADI-PAPP SYNDROME; Oral-facial-digital syndrome type 6. Identifiers: Orphanet 2754, MedGen C2745997, MONDO:0010176, OMIM 277170.
Joubert syndrome 17 (JBTS17). Identifiers: Orphanet 475, MedGen C3553264, MONDO:0013824, OMIM 614615.

Allele frequency attached by ClinVar (database versions not stated): ESP Exome Variant Server 0.00015; gnomAD exomes 0.00015 and 0.00029; gnomAD 0.00016 and 0.00019; TOPMed 0.00019; ExAC 0.00023.
gnomAD v4.1: 262 of 1,613,960 alleles (0.016%); highest among the groups gnomAD compares: Admixed American, 0.013%; no homozygotes.

Submissions (8):

Labcorp Genetics (formerly Invitae), Labcorp
Classification: Likely benign. Last evaluated: 2026-01-20. Review status: criteria provided, single submitter. Criteria: Invitae Variant Classification Sherloc (09022015). Collection method: clinical testing. Allele origin: germline.

PreventionGenetics, part of Exact Sciences
Classification: Likely benign for CPLANE1-related condition. Last evaluated: 2024-11-20. Review status: criteria provided, single submitter. Criteria: ACMG Guidelines, 2015. Collection method: clinical testing. Allele origin: germline.
Comment: This variant is classified as likely benign based on ACMG/AMP sequence variant interpretation guidelines (Richards et al. 2015 PMID: 25741868, with internal and published modifications).

Blueprint Genetics
Classification: Benign. Last evaluated: 2024-09-17. Review status: criteria provided, single submitter. Criteria: ACMG Guidelines, 2015. Collection method: clinical testing. Allele origin: germline.

Fulgent Genetics
Classification: Uncertain significance for Orofaciodigital syndrome type 6; Joubert syndrome 17. Last evaluated: 2024-05-20. Review status: criteria provided, single submitter. Criteria: ACMG Guidelines, 2015. Collection method: clinical testing. Allele origin: germline.

Ambry Genetics
Classification: Likely benign for Inborn genetic diseases. Last evaluated: 2024-01-24. Review status: criteria provided, single submitter. Criteria: Ambry Variant Classification Scheme 2023. Collection method: clinical testing. Allele origin: germline.

GeneDx
Classification: Uncertain significance. Last evaluated: 2022-03-15. Review status: criteria provided, single submitter. Criteria: GeneDx Variant Classification Process June 2021. Collection method: clinical testing. Allele origin: germline. Affected: yes.
Comment: In silico analysis supports that this missense variant has a deleterious effect on protein structure/function; Has not been previously published as pathogenic or benign to our knowledge

Illumina Laboratory Services, Illumina
Classification: Uncertain significance for Joubert syndrome 17. Last evaluated: 2018-01-13. Review status: criteria provided, single submitter. Criteria: ICSL Variant Classification Criteria 13 December 2019. Collection method: clinical testing. Allele origin: germline.

Eurofins Ntd Llc (ga)
Classification: Uncertain significance. Last evaluated: 2014-11-09. Review status: criteria provided, single submitter. Criteria: EGL Classification Definitions 2015. Collection method: clinical testing. Allele origin: germline. Observed: 1 variant allele, 1 heterozygote.

Literature cited by the submitters: PubMed 28518168 (cited by Ambry Genetics); PubMed 32461654 (cited by Ambry Genetics).

NM_001384732.1(CPLANE1):c.4388C>T (p.Thr1463Ile)

Genes: CPLANE1 (ciliogenesis and planar polarity effector complex subunit 1; minus strand), LOC129389274 (MPRA-validated peak5227 silencer; plus strand). Cytogenetic location: 5p13.2.
Variant type: single nucleotide variant.
Coding change: c.4388C>T on transcript NM_001384732.1 (MANE Select); coding-DNA position 4388, C replaced by T.
Protein change: p.Thr1463Ile; replaces threonine 1463 with isoleucine.
Molecular consequence: missense variant.
Genome position (GRCh38, 1-based): chr5:37,184,881, G>A on the plus strand (C>T on the coding strand, the complement: CPLANE1 is on the minus strand). VCF-style: chr5-37184881-G-A. GRCh37 (hg19) VCF-style: chr5-37184983-G-A.
Other names: c.4388C>T, p.Thr1463Ile (NM_023073.4); short protein forms T1463I.
Identifiers: ClinVar variation 195904 (VCV000195904.23), dbSNP rs202103224, ClinGen allele CA242574.